The following is an entry in ClinVar:

ClinVar aggregate classification (germline): Uncertain significance (1 of 4 stars; one submission).

Conditions:
Inborn genetic diseases. Identifiers: MedGen C0950123, MeSH D030342.

Allele frequency attached by ClinVar (database versions not stated): gnomAD exomes below 0.00001.
gnomAD v4.1: 6 of 1,598,936 alleles (0.00038%); highest among the groups gnomAD compares: Non-Finnish European, 0.00043%; no homozygotes.

Submission:

Ambry Genetics
Classification: Uncertain significance for Inborn genetic diseases. Last evaluated: 2023-04-17. Review status: criteria provided, single submitter. Criteria: Ambry Variant Classification Scheme 2023. Collection method: clinical testing. Allele origin: germline.
Comment: The p.V427M variant (also known as c.1279G>A), located in coding exon 4 of the SMAD6 gene, results from a G to A substitution at nucleotide position 1279. The valine at codon 427 is replaced by methionine, an amino acid with highly similar properties. This amino acid position is conserved. In addition, this alteration is predicted to be deleterious by in silico analysis. Since supporting evidence is limited at this time, the clinical significance of this alteration remains unclear.

NM_005585.5(SMAD6):c.1279G>A (p.Val427Met)

Gene: SMAD6 (SMAD family member 6; plus strand). Cytogenetic location: 15q22.31.
Variant type: single nucleotide variant.
Coding change: c.1279G>A on transcript NM_005585.5 (MANE Select); coding-DNA position 1279, G replaced by A.
Protein change: p.Val427Met; replaces valine 427 with methionine.
Molecular consequence: missense variant. On other transcripts: non-coding transcript variant (1).
Genome position (GRCh38, 1-based): chr15:66,781,323, G>A. VCF-style: chr15-66781323-G-A. GRCh37 (hg19) VCF-style: chr15-67073661-G-A.
Other names: short protein forms V427M.
Identifiers: ClinVar variation 2568130 (VCV002568130.2), dbSNP rs1266534938, ClinGen allele CA393202212.
Genomic context (GRCh38, chr15:66,781,323, plus strand): 5'-GAGCACCCCATCTTCGTCAACTCCCCGACGCTGGACGCGCCCGGCGGCCGCGCCCTGGTC[G>A]TGCGCAAGGTGCCCCCCGGCTACTCCATCAAGGTGTTCGACTTCGAGCGCTCGGGCCTGC-3'
Protein context (NP_005576.3, residues 417-437): LDAPGGRALV[Val427Met]RKVPPGYSIK